The following is an entry in ClinVar:

NM_015046.7(SETX):c.6502C>T (p.Arg2168Cys)

Gene: SETX (senataxin; minus strand). Cytogenetic location: 9q34.13.
Variant type: single nucleotide variant.
Coding change: c.6502C>T on transcript NM_015046.7 (MANE Select); coding-DNA position 6502, C replaced by T.
Protein change: p.Arg2168Cys; replaces arginine 2168 with cysteine.
Molecular consequence: missense variant.
Genome position (GRCh38, 1-based): chr9:132,283,308, G>A on the plus strand (C>T on the coding strand, the complement: SETX is on the minus strand). VCF-style: chr9-132283308-G-A. GRCh37 (hg19) VCF-style: chr9-135158695-G-A.
Other names: c.6502C>T, p.Arg2168Cys (NM_001351527.2, NM_001351528.2); short protein forms R2168C.
Identifiers: ClinVar variation 950785 (VCV000950785.10), dbSNP rs1843647719, ClinGen allele CA375335220.

ClinVar aggregate classification (germline): Uncertain significance (1 of 4 stars; one submission).

Conditions:
Amyotrophic lateral sclerosis type 4 (ALS4). Also called: NEURONOPATHY, DISTAL HEREDITARY MOTOR, WITH PYRAMIDAL FEATURES; AMYOTROPHIC LATERAL SCLEROSIS 4, JUVENILE. Identifiers: Orphanet 357043, MedGen C1865409, MONDO:0011223, OMIM 602433.
Spinocerebellar ataxia, autosomal recessive, with axonal neuropathy 2 (SCAN2). Also called: Ataxia-ocular apraxia-2; ATAXIA-OCULOMOTOR APRAXIA 2; Ataxia with Oculomotor Apraxia Type 2; Ataxia with Oculomotor Apraxia. Identifiers: Orphanet 64753, MedGen C1853761, MONDO:0018996, OMIM 606002.

Submission:

Labcorp Genetics (formerly Invitae), Labcorp
Classification: Uncertain significance for Amyotrophic lateral sclerosis type 4; Spinocerebellar ataxia, autosomal recessive, with axonal neuropathy 2. Last evaluated: 2022-06-20. Review status: criteria provided, single submitter. Criteria: Invitae Variant Classification Sherloc (09022015). Collection method: clinical testing. Allele origin: germline.
Comment: ClinVar contains an entry for this variant (Variation ID: 950785). In summary, the available evidence is currently insufficient to determine the role of this variant in disease. Therefore, it has been classified as a Variant of Uncertain Significance. Advanced modeling of protein sequence and biophysical properties (such as structural, functional, and spatial information, amino acid conservation, physicochemical variation, residue mobility, and thermodynamic stability) performed at Invitae indicates that this missense variant is expected to disrupt SETX protein function. This variant has not been reported in the literature in individuals affected with SETX-related conditions. This variant is not present in population databases (gnomAD no frequency). This sequence change replaces arginine, which is basic and polar, with cysteine, which is neutral and slightly polar, at codon 2168 of the SETX protein (p.Arg2168Cys).